The following is an entry in ClinVar:

NM_024996.7(GFM1):c.-11C>T

Gene: GFM1 (G elongation factor mitochondrial 1; plus strand). Cytogenetic location: 3q25.32.
Variant type: single nucleotide variant.
Coding change: c.-11C>T on transcript NM_024996.7 (MANE Select); 11 bases upstream of the start codon, C replaced by T.
Molecular consequence: 5 prime UTR variant. On other transcripts: non-coding transcript variant (4).
Genome position (GRCh38, 1-based): chr3:158,644,624, C>T. VCF-style: chr3-158644624-C-T. GRCh37 (hg19) VCF-style: chr3-158362413-C-T.
Other names: c.-11C>T (NM_001308164.2, NM_001308166.2, NM_001374355.1 and 2 more transcripts); c.-402C>T (NM_001374357.1); c.-240C>T (NM_001374359.1, NM_001374360.1, NM_001374361.1).
Identifiers: ClinVar variation 137470 (VCV000137470.7), dbSNP rs112860155, ClinGen allele CA291070.
Genomic context (GRCh38, chr3:158,644,624, plus strand): 5'-CTTCCCGGTGCGTTACCGGCAGCTGAACCCACCCGGCGCCACGGGACTTTGACGCGTGCT[C>T]TGCGCTTGCCATGAGACTCCTGGGAGCTGCAGCCGTCGCGGCTCTGGGGCGCGGAAGGGC-3'

ClinVar aggregate classification (germline): Benign/Likely benign. Review status: criteria provided, multiple submitters, no conflicts (2 of 4 stars). 4 submissions from 4 submitters: Benign (3); Likely benign (1). Last evaluated 2021-10-08.

Conditions:
Hepatoencephalopathy due to combined oxidative phosphorylation defect type 1. Also called: HEPATOENCEPHALOPATHY, EARLY FATAL PROGRESSIVE. Identifiers: Orphanet 137681, MedGen C1836797, MONDO:0012191, OMIM 609060.

Allele frequency attached by ClinVar (database versions not stated): gnomAD exomes 0.00151 and 0.00336; ExAC 0.00834; gnomAD 0.01545 and 0.01649; ESP Exome Variant Server 0.01586; TOPMed 0.01731; 1000 Genomes Project 0.01777; 1000 Genomes Project 30x 0.01952.
gnomAD v4.1: 4,590 of 1,564,610 alleles (0.29%); highest among the groups gnomAD compares: African/African-American, 5.3%; 115 homozygotes.

Submissions (4):

Fulgent Genetics
Classification: Likely benign for Hepatoencephalopathy due to combined oxidative phosphorylation defect type 1. Last evaluated: 2021-10-08. Review status: criteria provided, single submitter. Criteria: ACMG Guidelines, 2015. Collection method: clinical testing. Allele origin: unknown.

Illumina Laboratory Services, Illumina
Classification: Benign for Hepatoencephalopathy due to combined oxidative phosphorylation defect type 1. Last evaluated: 2018-01-13. Review status: criteria provided, single submitter. Criteria: ICSL Variant Classification Criteria 13 December 2019. Collection method: clinical testing. Allele origin: germline.
Comment: This variant was observed in the ICSL laboratory as part of a predisposition screen in an ostensibly healthy population. It had not been previously curated by ICSL or reported in the Human Gene Mutation Database (HGMD: prior to June 1st, 2018), and was therefore a candidate for classification through an automated scoring system. Utilizing variant allele frequency, disease prevalence and penetrance estimates, and inheritance mode, an automated score was calculated to assess if this variant is too frequent to cause the disease. Based on the score and internal cut-off values, a variant classified as benign is not then subjected to further curation. The score for this variant resulted in a classification of benign for this disease.

GeneDx
Classification: Benign. Last evaluated: 2012-05-18. Review status: criteria provided, single submitter. Criteria: GeneDx Variant Classification (06012015). Collection method: clinical testing. Allele origin: germline. Affected: yes.
Comment: This variant is considered likely benign or benign based on one or more of the following criteria: it is a conservative change, it occurs at a poorly conserved position in the protein, it is predicted to be benign by multiple in silico algorithms, and/or has population frequency not consistent with disease.

Breakthrough Genomics
Classification: Benign. Review status: criteria provided, single submitter. Criteria: ACMG Guidelines, 2015. Collection method: not provided. Allele origin: germline. Inheritance: Autosomal recessive inheritance. Affected: yes.